The following is an entry in ClinVar:

NM_004360.5(CDH1):c.2253del (p.Asn751fs)

Gene: CDH1 (cadherin 1; plus strand). Cytogenetic location: 16q22.1.
Variant type: Deletion.
Coding change: c.2253del on transcript NM_004360.5 (MANE Select); coding-DNA position 2253, one base deleted (C; older notation c.2253delC).
Protein change: p.Asn751fs; shifts the reading frame from asparagine 751.
Molecular consequence: frameshift variant.
Genome position (GRCh38, 1-based): chr16:68,828,262, C deleted. VCF-style (leftmost placement, unchanged base first): chr16-68828261-AC-A. GRCh37 (hg19) VCF-style: chr16-68862164-AC-A.
Other names: c.2070del, p.Asn690fs (NM_001317184.2); c.705del, p.Asn235fs (NM_001317185.2); c.288del, p.Asn96fs (NM_001317186.2); short protein forms N96fs, N751fs, N235fs, N690fs.
Identifiers: ClinVar variation 1400394 (VCV001400394.6), dbSNP rs2152141521, ClinGen allele CA2573152654.

ClinVar aggregate classification (germline): Pathogenic (1 of 4 stars; one submission).

Conditions:
Hereditary diffuse gastric adenocarcinoma (HDGC). Also called: DIFFUSE GASTRIC AND LOBULAR BREAST CANCER SYNDROME. Identifiers: Orphanet 26106, MedGen C1708349, MONDO:0007648, OMIM 137215.

Submission:

Labcorp Genetics (formerly Invitae), Labcorp
Classification: Pathogenic for Hereditary diffuse gastric adenocarcinoma. Last evaluated: 2021-11-24. Review status: criteria provided, single submitter. Criteria: Invitae Variant Classification Sherloc (09022015). Collection method: clinical testing. Allele origin: germline.
Comment: For these reasons, this variant has been classified as Pathogenic. This variant has not been reported in the literature in individuals affected with CDH1-related conditions. This variant is not present in population databases (gnomAD no frequency). This sequence change creates a premature translational stop signal (p.Asn751Lysfs*19) in the CDH1 gene. It is expected to result in an absent or disrupted protein product. Loss-of-function variants in CDH1 are known to be pathogenic (PMID: 15235021, 20373070).

Literature cited by the submitters: PubMed 15235021; PubMed 20373070.